The following is an entry in ClinVar:

NM_033026.6(PCLO):c.2986G>A (p.Val996Met)

Gene: PCLO (piccolo presynaptic cytomatrix protein; minus strand). Cytogenetic location: 7q21.11.
Variant type: single nucleotide variant.
Coding change: c.2986G>A on transcript NM_033026.6 (MANE Select); coding-DNA position 2986, G replaced by A.
Protein change: p.Val996Met; replaces valine 996 with methionine.
Molecular consequence: missense variant.
Genome position (GRCh38, 1-based): chr7:83,134,564, C>T on the plus strand (G>A on the coding strand, the complement: PCLO is on the minus strand). VCF-style: chr7-83134564-C-T. GRCh37 (hg19) VCF-style: chr7-82763880-C-T.
Other names: c.2986G>A, p.Val996Met (NM_014510.3); short protein forms V996M.
Identifiers: ClinVar variation 1968000 (VCV001968000.2), dbSNP rs1706285553, ClinGen allele CA367898079.

ClinVar aggregate classification (germline): Uncertain significance (1 of 4 stars; one submission).

Allele frequency attached by ClinVar (database versions not stated): gnomAD exomes below 0.00001; TOPMed 0.00001.
gnomAD v4.1: 2 of 1,613,802 alleles (0.00012%); highest among the groups gnomAD compares: Non-Finnish European, 0.00017%; no homozygotes.

Submission:

Labcorp Genetics (formerly Invitae), Labcorp
Classification: Uncertain significance. Last evaluated: 2022-07-01. Review status: criteria provided, single submitter. Criteria: Invitae Variant Classification Sherloc (09022015). Collection method: clinical testing. Allele origin: germline.
Comment: This sequence change replaces valine, which is neutral and non-polar, with methionine, which is neutral and non-polar, at codon 996 of the PCLO protein (p.Val996Met). This variant is not present in population databases (gnomAD no frequency). This variant has not been reported in the literature in individuals affected with PCLO-related conditions. Algorithms developed to predict the effect of missense changes on protein structure and function output the following: SIFT: "Tolerated"; PolyPhen-2: "Not Available"; Align-GVGD: "Class C0". The methionine amino acid residue is found in multiple mammalian species, which suggests that this missense change does not adversely affect protein function. In summary, the available evidence is currently insufficient to determine the role of this variant in disease. Therefore, it has been classified as a Variant of Uncertain Significance.